The following is an entry in ClinVar:

ClinVar aggregate classification (germline): Conflicting classifications of pathogenicity. Review status: criteria provided, conflicting classifications (1 of 4 stars). 2 submissions from 2 submitters: Uncertain significance (1); Likely benign (1). Last evaluated 2026-09-01.

Allele frequency attached by ClinVar (database versions not stated): ExAC 0.00044; ESP Exome Variant Server 0.00141.
gnomAD v4.1: 2,174 of 1,611,336 alleles (0.13%); highest among the groups gnomAD compares: Non-Finnish European, 0.17%; 4 homozygotes.

Submissions (2):

CeGaT Center for Human Genetics Tuebingen
Classification: Likely benign. Last evaluated: 2026-09-01. Review status: criteria provided, single submitter. Criteria: CeGaT Center For Human Genetics Tuebingen Variant Classification Criteria Version 2. Collection method: clinical testing. Allele origin: germline. Affected: yes. Observed: 1 variant allele.
Comment: LAMA5: BP4

Labcorp Genetics (formerly Invitae), Labcorp
Classification: Uncertain significance. Last evaluated: 2022-11-01. Review status: criteria provided, single submitter. Criteria: Invitae Variant Classification Sherloc (09022015). Collection method: clinical testing. Allele origin: germline.
Comment: This sequence change replaces arginine, which is basic and polar, with tryptophan, which is neutral and slightly polar, at codon 3411 of the LAMA5 protein (p.Arg3411Trp). This variant is present in population databases (rs200326056, gnomAD 0.1%), and has an allele count higher than expected for a pathogenic variant. This variant has not been reported in the literature in individuals affected with LAMA5-related conditions. Advanced modeling of protein sequence and biophysical properties (such as structural, functional, and spatial information, amino acid conservation, physicochemical variation, residue mobility, and thermodynamic stability) performed at Invitae indicates that this missense variant is expected to disrupt LAMA5 protein function. In summary, the available evidence is currently insufficient to determine the role of this variant in disease. Therefore, it has been classified as a Variant of Uncertain Significance.

NM_005560.6(LAMA5):c.10231C>T (p.Arg3411Trp)

Gene: LAMA5 (laminin subunit alpha 5; minus strand). Cytogenetic location: 20q13.33.
Variant type: single nucleotide variant.
Coding change: c.10231C>T on transcript NM_005560.6 (MANE Select); coding-DNA position 10231, C replaced by T.
Protein change: p.Arg3411Trp; replaces arginine 3411 with tryptophan.
Molecular consequence: missense variant.
Genome position (GRCh38, 1-based): chr20:62,310,952, G>A on the plus strand (C>T on the coding strand, the complement: LAMA5 is on the minus strand). VCF-style: chr20-62310952-G-A. GRCh37 (hg19) VCF-style: chr20-60886008-G-A.
Other names: short protein forms R3411W.
Identifiers: ClinVar variation 2057300 (VCV002057300.2), dbSNP rs200326056, ClinGen allele CA9939875.